The following is an entry in ClinVar:

NM_000535.7(PMS2):c.1238_1239delinsGG (p.Lys413Arg)

Gene: PMS2 (PMS1 homolog 2, mismatch repair system component; minus strand). Cytogenetic location: 7p22.1.
Variant type: Indel.
Coding change: c.1238_1239delinsGG on transcript NM_000535.7 (MANE Select); coding-DNA positions 1238 to 1239, AA replaced by GG.
Protein change: p.Lys413Arg; replaces lysine 413 with arginine.
Molecular consequence: missense variant. On other transcripts: non-coding transcript variant (1).
Genome position (GRCh38, 1-based): chr7:5,987,526-5,987,527, TT replaced by CC on the plus strand (AA replaced by GG on the coding strand, the reverse complement: PMS2 is on the minus strand). VCF-style: chr7-5987526-TT-CC. GRCh37 (hg19) VCF-style: chr7-6027157-TT-CC.
Other names: c.833_834delinsGG, p.Lys278Arg (NM_001322003.2, NM_001322004.2, NM_001322005.2 and 1 more transcripts); c.1082_1083delinsGG, p.Lys361Arg (NM_001322006.2); c.920_921delinsGG, p.Lys307Arg (NM_001322007.2, NM_001322008.2); c.677_678delinsGG, p.Lys226Arg (NM_001322010.2); c.305_306delinsGG, p.Lys102Arg (NM_001322011.2, NM_001322012.2); c.665_666delinsGG, p.Lys222Arg (NM_001322013.2); c.1238_1239delinsGG, p.Lys413Arg (NM_001322014.2); c.929_930delinsGG, p.Lys310Arg (NM_001322015.2); short protein forms K278R, K310R, K102R, K222R, K226R, K307R, K361R, K413R.
Identifiers: ClinVar variation 127756 (VCV000127756.26), dbSNP rs587780041, ClinGen allele CA009396.

ClinVar aggregate classification (germline): Conflicting classifications of pathogenicity. Review status: criteria provided, conflicting classifications (1 of 4 stars). 7 submissions from 7 submitters: Uncertain significance (4); Likely benign (2). 1 of the submissions does not count toward it. Last evaluated 2026-03-18.

Conditions:
PMS2-related disorder. Also called: PMS2-related condition.
Hereditary nonpolyposis colorectal neoplasms. Identifiers: MedGen C0009405, MeSH D003123.
Hereditary cancer-predisposing syndrome. Also called: Neoplastic Syndromes, Hereditary; Tumor predisposition; Hereditary Cancer Syndrome; Hereditary neoplastic syndrome. Identifiers: Orphanet 140162, MedGen C0027672, MeSH D009386, MONDO:0015356.
Lynch syndrome 4 (LYNCH4). Also called: Colorectal cancer, hereditary nonpolyposis, type 4; Hereditary non-polyposis colorectal cancer, type 4. Identifiers: Orphanet 144, MedGen C1838333, MONDO:0013699, OMIM 614337. Disease mechanism: loss of function.

Submissions (7):

PreventionGenetics, part of Exact Sciences
Classification: Uncertain significance for PMS2-related condition. Last evaluated: 2026-03-18. Review status: criteria provided, single submitter. Criteria: ACMG Guidelines, 2015. Collection method: clinical testing. Allele origin: germline.
Comment: The PMS2 c.1238_1239delinsGG variant is predicted to result in an in-frame deletion and insertion. To our knowledge, this variant has not been reported in the literature or in a large population database (gnomAD), indicating this variant is rare. This variant has interpretations ranging from uncertain to likely benign in ClinVar (Variation ID: 127756). At this time, the clinical significance of this variant is uncertain due to the absence of conclusive functional and genetic evidence.

Labcorp Genetics (formerly Invitae), Labcorp
Classification: Likely benign for Hereditary nonpolyposis colorectal neoplasms. Last evaluated: 2026-01-19. Review status: criteria provided, single submitter. Criteria: Invitae Variant Classification Sherloc (09022015). Collection method: clinical testing. Allele origin: germline.

Color Diagnostics, LLC DBA Color Health
Classification: Uncertain significance for Hereditary cancer-predisposing syndrome. Last evaluated: 2025-11-25. Review status: criteria provided, single submitter. Criteria: ACMG Guidelines, 2015. Collection method: clinical testing. Allele origin: germline.
Comment: This missense variant replaces lysine with arginine at codon 413 of the PMS2 protein. Computational prediction suggests that this variant may not impact protein structure and function. To our knowledge, functional studies have not been reported for this variant. This variant has not been reported in individuals affected with PMS2-related disorders in the literature. This variant has not been identified in the general population by the Genome Aggregation Database (gnomAD). The available evidence is insufficient to determine the role of this variant in disease conclusively. Therefore, this variant is classified as a Variant of Uncertain Significance.

Quest Diagnostics Nichols Institute San Juan Capistrano
Classification: Uncertain significance. Last evaluated: 2025-01-24. Review status: criteria provided, single submitter. Criteria: Quest Diagnostics criteria. Collection method: clinical testing. Allele origin: unknown.
Comment: The PMS2 c.1238_1239delinsGG (p.Lys413Arg) variant has been reported in the published literature in individuals with breast cancer (PMID: 33471991 (2021), see also LOVD). The frequency of this variant in the general population (Genome Aggregation Database) is uninformative in the assessment of its pathogenicity. Analysis of this variant using bioinformatics tools for the prediction of the effect of amino acid changes on protein structure and function yielded predictions that this variant is benign. Based on the available information, we are unable to determine the clinical significance of this variant.

GeneDx
Classification: Uncertain significance. Last evaluated: 2024-02-23. Review status: criteria provided, single submitter. Criteria: GeneDx Variant Classification Process June 2021. Collection method: clinical testing. Allele origin: germline. Affected: yes.
Comment: Not observed at significant frequency in large population cohorts (gnomAD); In silico analysis supports that this variant does not alter protein structure/function; Has not been previously published as pathogenic or benign to our knowledge; This variant is associated with the following publications: (PMID: 20186688, 25182477, 27060149, 37094468)

Ambry Genetics
Classification: Likely benign for Hereditary cancer-predisposing syndrome. Last evaluated: 2018-07-27. Review status: criteria provided, single submitter. Criteria: Ambry Variant Classification Scheme 2023. Collection method: clinical testing. Allele origin: germline.

Department of Pathology and Laboratory Medicine, Sinai Health System
Classification: Likely benign. Review status: no assertion criteria provided. Collection method: clinical testing. Allele origin: unknown. Affected: yes. Study: The Canadian Open Genetics Repository (COGR). Not counted in ClinVar's aggregate classification.
Comment: The PMS2 p.Lys413Arg variant was not identified in the literature nor was it identified in the COGR, Cosmic, MutDB, Insight Colon Cancer Gene Variant Database, Zhejiang University Database, Mismatch Repair Genes Variant Database, or Insight Hereditary Tumors Database. The variant was identified in dbSNP (ID: rs587780041) as â€šÃ„ÃºWith Uncertain significance alleleâ€šÃ„Ã¹, ClinVar (as uncertain significance by GeneDx and Invitae, and as likely benign by Ambry Genetics), and Clinvitae (3x) databases. The variant was identified in control databases in 2 of 30932 chromosomes at a frequency of 0.000065 (Genome Aggregation Database Feb 27, 2017). The variant was observed in the following populations: African in 1 of 8716 chromosomes (freq: 0.000115), European (Non-Finnish) in 1 of 14990 chromosomes (freq: 0.000067); it was not observed in the Ashkenazi Jewish, East Asian, European (Finnish), Latino, Other, and South Asian populations. The p.Lys413 residue is not conserved in mammals and the variant amino acid Arginine (Arg) is present in many animals, including rats, mice, and dogs, increasing the likelihood that this variant does not have clinical significance. The variant was identified with a co-occurring pathogenic STK11 variant (p.Asp194Asn), increasing the likelihood that the p.Lys413Arg variant does not have clinical significance. Computational analyses (PolyPhen-2, SIFT, AlignGVGD, BLOSUM, MutationTaster) do not suggest a high likelihood of impact to the protein; however, this information is not predictive enough to rule out pathogenicity. The variant occurs outside of the splicing consensus sequence and in silico or computational prediction software programs (SpliceSiteFinder, MaxEntScan, NNSPLICE, GeneSplicer, HumanSpliceFinder) do not predict a difference in splicing. In summary, based on the above information the clinical significance of this variant cannot be determined with certainty at this time although we would lean towards a more benign role for this variant. This variant is classified as likely benign.

Literature cited by the submitters: PubMed 33471991 (cited by Quest Diagnostics Nichols Institute San Juan Capistrano).